The following is an entry in ClinVar:

ClinVar aggregate classification (germline): Conflicting classifications of pathogenicity. Review status: criteria provided, conflicting classifications (1 of 4 stars). 6 submissions from 6 submitters: Uncertain significance (1); Likely benign (5). Last evaluated 2026-01-28.

Allele frequency attached by ClinVar (database versions not stated): ESP Exome Variant Server 0.00015; ExAC 0.00020; TOPMed 0.00039; gnomAD 0.00041.
gnomAD v4.1: 961 of 1,613,932 alleles (0.06%); highest among the groups gnomAD compares: Non-Finnish European, 0.075%; 2 homozygotes.

Submissions (6):

Labcorp Genetics (formerly Invitae), Labcorp
Classification: Likely benign. Last evaluated: 2026-01-28. Review status: criteria provided, single submitter. Criteria: Invitae Variant Classification Sherloc (09022015). Collection method: clinical testing. Allele origin: germline.

Blueprint Genetics
Classification: Likely benign. Last evaluated: 2024-05-06. Review status: criteria provided, single submitter. Criteria: ACMG Guidelines, 2015. Collection method: clinical testing. Allele origin: germline.

CeGaT Center for Human Genetics Tuebingen
Classification: Likely benign. Last evaluated: 2023-04-01. Review status: criteria provided, single submitter. Criteria: CeGaT Center For Human Genetics Tuebingen Variant Classification Criteria Version 2. Collection method: clinical testing. Allele origin: germline. Affected: yes. Observed: 2 variant alleles.
Comment: USH2A: BP4, BP7

GeneDx
Classification: Likely benign. Last evaluated: 2018-05-04. Review status: criteria provided, single submitter. Criteria: GeneDx Variant Classification (06012015). Collection method: clinical testing. Allele origin: germline. Affected: yes.
Comment: This variant is considered likely benign or benign based on one or more of the following criteria: it is a conservative change, it occurs at a poorly conserved position in the protein, it is predicted to be benign by multiple in silico algorithms, and/or has population frequency not consistent with disease.

Eurofins Ntd Llc (ga)
Classification: Uncertain significance. Last evaluated: 2017-11-16. Review status: criteria provided, single submitter. Criteria: EGL Classification Definitions 2015. Collection method: clinical testing. Allele origin: germline. Observed: 1 variant allele, 1 heterozygote.

Laboratory for Molecular Medicine, Mass General Brigham Personalized Medicine
Classification: Likely benign. Last evaluated: 2012-04-30. Review status: criteria provided, single submitter. Criteria: LMM Criteria. Collection method: clinical testing. Allele origin: germline. Observed: 2 variant alleles.
Comment: Val3490Val in Exon 53 of USH2A: This variant is not expected to have clinical si gnificance because it does not alter an amino acid residue, is not located withi n the splice consensus sequence, and has been identified in 1/7020 European Amer ican chromosomes from a broad population by the NHLBI Exome Sequencing Project.

NM_206933.4(USH2A):c.10470G>T (p.Val3490=)

Gene: USH2A (usherin; minus strand). Cytogenetic location: 1q41.
Variant type: single nucleotide variant.
Coding change: c.10470G>T on transcript NM_206933.4 (MANE Select); coding-DNA position 10470, G replaced by T.
Protein change: p.Val3490=; no amino-acid change (valine 3490 retained).
Molecular consequence: synonymous variant.
Genome position (GRCh38, 1-based): chr1:215,782,853, C>A on the plus strand (G>T on the coding strand, the complement: USH2A is on the minus strand). VCF-style: chr1-215782853-C-A. GRCh37 (hg19) VCF-style: chr1-215956195-C-A.
Identifiers: ClinVar variation 48346 (VCV000048346.62), dbSNP rs201401001, ClinGen allele CA143219.